The following is an entry in ClinVar:

NM_000218.3(KCNQ1):c.1129-8G>T

Gene: KCNQ1 (potassium voltage-gated channel subfamily Q member 1; plus strand). Cytogenetic location: 11p15.5.
Variant type: single nucleotide variant.
Coding change: c.1129-8G>T on transcript NM_000218.3 (MANE Select); 8 bases into the intron before coding-DNA position 1129, G replaced by T.
Molecular consequence: intron variant.
Genome position (GRCh38, 1-based): chr11:2,587,562, G>T. VCF-style: chr11-2587562-G-T. GRCh37 (hg19) VCF-style: chr11-2608792-G-T.
Other names: c.859-8G>T (NM_001406837.1); c.1033-8G>T (NM_001406836.1); c.589-8G>T (NM_001406838.1); c.748-8G>T (NM_181798.2).
Identifiers: ClinVar variation 923086 (VCV000923086.16), dbSNP rs200612600, ClinGen allele CA027324.

ClinVar aggregate classification (germline): Conflicting classifications of pathogenicity. Review status: criteria provided, conflicting classifications (1 of 4 stars). 2 submissions from 2 submitters: Uncertain significance (1); Likely benign (1). Last evaluated 2025-09-17.

Conditions:
Cardiac arrhythmia. Also called: Cardiac rhythm disease; Arrhythmia. Identifiers: MedGen C0003811, MONDO:0007263, HP:0011675.
Long QT syndrome (LQTS). Identifiers: MedGen C0023976, MeSH D008133, MONDO:0002442. Disease mechanism: loss of function. Inheritance: Various modes of inheritance.

Allele frequency attached by ClinVar (database versions not stated): TOPMed 0.00007; ESP Exome Variant Server 0.00008.
gnomAD v4.1: 11 of 1,613,440 alleles (0.00068%); highest among the groups gnomAD compares: African/African-American, 0.013%; no homozygotes.

Submissions (2):

Labcorp Genetics (formerly Invitae), Labcorp
Classification: Likely benign for Long QT syndrome. Last evaluated: 2025-09-17. Review status: criteria provided, single submitter. Criteria: Invitae Variant Classification Sherloc (09022015). Collection method: clinical testing. Allele origin: germline.

Color Diagnostics, LLC DBA Color Health
Classification: Uncertain significance for Cardiac arrhythmia. Last evaluated: 2023-11-20. Review status: criteria provided, single submitter. Criteria: ACMG Guidelines, 2015. Collection method: clinical testing. Allele origin: germline.
Comment: This variant causes a G to T nucleotide substitution at the -8 position of intron 8 of the KCNQ1 gene. To our knowledge, functional studies have not been reported for this variant. This variant has not been reported in individuals affected with KCNQ1-related disorders in the literature. This variant has been identified in 3/282120 chromosomes in the general population by the Genome Aggregation Database (gnomAD). The available evidence is insufficient to determine the role of this variant in disease conclusively. Therefore, this variant is classified as a Variant of Uncertain Significance.